The following is an entry in ClinVar:

Single allele

Gene: MAF (MAF bZIP transcription factor; minus strand). Cytogenetic location: 16q23.2.
Variant type: Deletion.
Identifiers: ClinVar variation 157372 (VCV000157372.2).

ClinVar aggregate classification (germline): not provided (0 of 4 stars; one submission).

Conditions:
Normal pregnancy. Identifiers: MedGen C0232989.

Submission:

Institute of Molecular and Cell Biology, University of Tartu
No classification provided. Condition: Normal pregnancy. Review status: no classification provided. Collection method: case-control. Allele origin: unknown. Affected: yes. Study: Kasak2014.
Comment: The study aimed to determine the contribution of copy number variants in the genetic etiology of normal and complicated pregnancies. The samples represented (i) maternal blood DNA drawn from healthy pregnant women during 1st or 2nd trimester and (ii) maternal and paternal blood DNA drawn at term pregnancy cases representing normal and complicated gestations (severe preeclampsia, PE; gestational diabetes, GD; small-for-gestational age newborn, SGA; large-for-gestational age newborn, LGA). We performed CNV calling based on genome-wide genotyping dataset (Illumina HumanOmniExpress-24-v1 BeadChip) by applying three algorithms, QuantiSNP, GADA (Genome Alteration Detection Algorithm) and CNstream in parallel. The acquired CNV calls were merged with HD-CNV (Hotspot Detector for Copy Number Variants) program and only the CNVs predicted by at least two programs, were considered in subsequent analysis.

Literature cited by the submitters: PubMed 25666259.